The following is an entry in ClinVar:

ClinVar aggregate classification (germline): Uncertain significance (1 of 4 stars; one submission).

Conditions:
Hereditary spastic paraplegia 39 (SPG39). Also called: Spastic Paraplegia Type 39 (SPG39); SPASTIC PARAPLEGIA 39, AUTOSOMAL RECESSIVE. Identifiers: Orphanet 139480, MedGen C2677586, MONDO:0012787, OMIM 612020.

Allele frequency attached by ClinVar (database versions not stated): gnomAD exomes below 0.00001.
gnomAD v4.1: 5 of 1,612,506 alleles (0.00031%); highest among the groups gnomAD compares: Non-Finnish European, 0.00042%; no homozygotes.

Submission:

Labcorp Genetics (formerly Invitae), Labcorp
Classification: Uncertain significance for Hereditary spastic paraplegia 39. Last evaluated: 2021-11-27. Review status: criteria provided, single submitter. Criteria: Invitae Variant Classification Sherloc (09022015). Collection method: clinical testing. Allele origin: germline.
Comment: Algorithms developed to predict the effect of missense changes on protein structure and function (SIFT, PolyPhen-2, Align-GVGD) all suggest that this variant is likely to be tolerated. In summary, the available evidence is currently insufficient to determine the role of this variant in disease. Therefore, it has been classified as a Variant of Uncertain Significance. This sequence change replaces alanine, which is neutral and non-polar, with threonine, which is neutral and polar, at codon 584 of the PNPLA6 protein (p.Ala584Thr). This variant is not present in population databases (gnomAD no frequency). This variant has not been reported in the literature in individuals affected with PNPLA6-related conditions.

NM_001166114.2(PNPLA6):c.1867G>A (p.Ala623Thr)

Gene: PNPLA6 (patatin like domain 6, lysophospholipase; plus strand). Cytogenetic location: 19p13.2.
Variant type: single nucleotide variant.
Coding change: c.1867G>A on transcript NM_001166114.2 (MANE Select); coding-DNA position 1867, G replaced by A.
Protein change: p.Ala623Thr; replaces alanine 623 with threonine.
Molecular consequence: missense variant.
Genome position (GRCh38, 1-based): chr19:7,550,350, G>A. VCF-style: chr19-7550350-G-A. GRCh37 (hg19) VCF-style: chr19-7615236-G-A.
Other names: c.1894G>A, p.Ala632Thr (NM_001166111.2); c.1672G>A, p.Ala558Thr (NM_001166112.2); c.1750G>A, p.Ala584Thr (NM_001166113.1, NM_006702.5); short protein forms A558T, A584T, A623T, A632T.
Identifiers: ClinVar variation 1353928 (VCV001353928.5), dbSNP rs2146087711, ClinGen allele CA403122357.